The following is an entry in ClinVar:

NM_001287.6(CLCN7):c.2306TGG[3] (p.Val772del)

Gene: CLCN7 (chloride voltage-gated channel 7; minus strand). Cytogenetic location: 16p13.3.
Variant type: Microsatellite.
Coding change: c.2306TGG[3] on transcript NM_001287.6 (MANE Select); three copies in a row of the 3-base unit TGG starting at c.2306; the reference has four copies in a row; one copy, 3 bases deleted.
Protein change: p.Val772del; deletes valine 772.
Molecular consequence: inframe deletion.
Genome position (GRCh38, 1-based): chr16:1,447,020-1,447,022, CCA deleted on the plus strand (TGG on the coding strand, the reverse complement: CLCN7 is on the minus strand); deleting any 3 consecutive bases within chr16:1,447,020-1,447,031 gives the same sequence; the position shown is the placement nearest the transcript's 3' end. VCF-style (leftmost placement, unchanged base first): chr16-1447019-TCCA-T. GRCh37 (hg19) VCF-style: chr16-1497020-TCCA-T.
Other names: c.2234TGG[3], p.Val748del (NM_001114331.3); short protein forms V772del, V748del.
Identifiers: ClinVar variation 1467934 (VCV001467934.6), dbSNP rs1405357965, ClinGen allele CA620698159.
Genomic context (GRCh38, chr16:1,447,019, plus strand): 5'-AGGGGAGCCCTGCACGGCATGCCTGCACCCCCACCGCCCCCGCTCACCTGATTGCGGTTG[TCCA>T]CCACCACCAGGTGCCGCAGGCCCAGGGCCCGGAACAGCTTGAACACCCGTGGGAGCGACG-3'

ClinVar aggregate classification (germline): Uncertain significance (1 of 4 stars; one submission).

Submission:

Labcorp Genetics (formerly Invitae), Labcorp
Classification: Uncertain significance. Last evaluated: 2021-09-05. Review status: criteria provided, single submitter. Criteria: Invitae Variant Classification Sherloc (09022015). Collection method: clinical testing. Allele origin: germline.
Comment: This variant, c.2315_2317del, results in the deletion of 1 amino acid(s) of the CLCN7 protein (p.Val772del), but otherwise preserves the integrity of the reading frame. This variant is not present in population databases (ExAC no frequency). This variant has not been reported in the literature in individuals affected with CLCN7-related conditions. Experimental studies and prediction algorithms are not available or were not evaluated, and the functional significance of this variant is currently unknown. In summary, the available evidence is currently insufficient to determine the role of this variant in disease. Therefore, it has been classified as a Variant of Uncertain Significance.